The following is an entry in ClinVar:

NM_000018.4(ACADVL):c.253dup (p.Asp85fs)

Gene: ACADVL (acyl-CoA dehydrogenase very long chain; plus strand). Cytogenetic location: 17p13.1.
Variant type: Duplication.
Coding change: c.253dup on transcript NM_000018.4 (MANE Select); coding-DNA position 253, one base duplicated (G; older notation c.253dupG).
Protein change: p.Asp85fs; shifts the reading frame from aspartic acid 85.
Molecular consequence: frameshift variant.
Genome position (GRCh38, 1-based): chr17:7,220,652, G duplicated. VCF-style (leftmost placement, unchanged base first): chr17-7220651-A-AG. GRCh37 (hg19) VCF-style: chr17-7123970-A-AG.
Other names: NM_000018.4(ACADVL):c.253dup; p.Asp85fs; c.187dup, p.Asp63fs (NM_001033859.3); c.322dup, p.Asp108fs (NM_001270447.2); c.25dup, p.Asp9fs (NM_001270448.2); short protein forms D108fs, D63fs, D85fs, D9fs.
Identifiers: ClinVar variation 943198 (VCV000943198.11), dbSNP rs1247360325, ClinGen allele CA624860683.

ClinVar aggregate classification (germline): Pathogenic. Review status: reviewed by expert panel (3 of 4 stars). 2 submissions from 2 submitters: Pathogenic (1). 1 of the submissions does not count toward it. Last evaluated 2022-04-06.

Conditions:
Very long chain acyl-CoA dehydrogenase deficiency (ACADVLD). Also called: VLCAD Deficiency; Very Long-Chain Acyl-Coenzyme A Dehydrogenase Deficiency. Identifiers: Orphanet 26793, MedGen C3887523, MONDO:0008723, OMIM 201475.

Allele frequency attached by ClinVar (database versions not stated): gnomAD exomes below 0.00001 and 0.00001.

Submissions (2):

ClinGen ACADVL Variant Curation Expert Panel, ClinGen
Classification: Pathogenic for Very long chain acyl-CoA dehydrogenase deficiency. Last evaluated: 2022-04-06. Review status: reviewed by expert panel. Criteria: clingen acadvl acmg specifications v1. Collection method: curation. Allele origin: germline. Inheritance: Autosomal recessive inheritance.
Comment: The NM_000018.4:c.253dup (p.Asp85Glyfs*19) variant in ACADVL is a one nucleotide duplication that results in a frameshift predicted to cause a premature stop codon in biologically-relevant-exon 5/20 leading to nonsense mediated decay in a gene in which loss-of-function is an established disease mechanism (PVS1; PMIDs 9973285, 11590124). The variant has been identified in at least one individual identified by newborn screen for very long chain acyl CoA dehydrogenase (VLCAD) deficiency. (PM3 points = 0.5, PMID: 27209629) (PM3_Supporting). At least one patient with this variant displayed >1.0uM C14::1 levels on initial NBS and asserted abnormal levels of plasma acylcarnitine levels at follow-up, which is highly specific for VLCADD (PMID: 27209629) (PP4_Moderate). The highest population minor allele frequency in gnomAD v2.1.1 is 0.00001758 in NFE population, which is lower than the ClinGen ACADVL Variant Curation Expert Panel threshold (<0.001) for PM2_Supporting, meeting this criterion (PM2_Supporting). In summary, this variant meets the criteria to be classified as PATHOGENIC for autosomal recessive very long chain acyl-CoA dehydrogenase (VLCAD) deficiency based on the ACMG/AMP criteria applied, as specified by the ClinGen ACADVL Variant Curation Expert Panel: PVS1, PM3_Supporting, PP4_Moderate, PM2_Supporting (ACADVL VCEP specifications v2.0; Approved on 08/11/21).

Labcorp Genetics (formerly Invitae), Labcorp
Classification: Pathogenic for Very long chain acyl-CoA dehydrogenase deficiency. Last evaluated: 2026-01-22. Review status: criteria provided, single submitter. Criteria: Invitae Variant Classification Sherloc (09022015). Collection method: clinical testing. Allele origin: germline. Not counted in ClinVar's aggregate classification.
Comment: This sequence change creates a premature translational stop signal (p.Asp85Glyfs*19) in the ACADVL gene. It is expected to result in an absent or disrupted protein product. Loss-of-function variants in ACADVL are known to be pathogenic (PMID: 9973285, 11590124). This variant is present in population databases (no rsID available, gnomAD 0.002%). This premature translational stop signal has been observed in individual(s) with a positive newborn screening result for ACADVL-related disease (PMID: 27209629). ClinVar contains an entry for this variant (Variation ID: 943198). For these reasons, this variant has been classified as Pathogenic.

Literature cited by the submitters: PubMed 9973285 (cited by Labcorp Genetics (formerly Invitae), Labcorp); PubMed 11590124 (cited by Labcorp Genetics (formerly Invitae), Labcorp); PubMed 27209629 (cited by Labcorp Genetics (formerly Invitae), Labcorp).